The following is an entry in ClinVar:

NM_001379200.1(TBX1):c.158C>T (p.Pro53Leu)

Gene: TBX1 (T-box transcription factor 1; plus strand). Cytogenetic location: 22q11.21.
Variant type: single nucleotide variant.
Coding change: c.158C>T on transcript NM_001379200.1 (MANE Select); coding-DNA position 158, C replaced by T.
Protein change: p.Pro53Leu; replaces proline 53 with leucine.
Molecular consequence: missense variant.
Genome position (GRCh38, 1-based): chr22:19,761,001, C>T. VCF-style: chr22-19761001-C-T. GRCh37 (hg19) VCF-style: chr22-19748524-C-T.
Other names: c.131C>T, p.Pro44Leu (NM_005992.1, NM_080646.2, NM_080647.1); short protein forms P44L, P53L.
Identifiers: ClinVar variation 859615 (VCV000859615.9), dbSNP rs1403071771, ClinGen allele CA410681273.
Genomic context (GRCh38, chr22:19,761,001, plus strand): 5'-CGGGGGGCTTCCCGGGCGCCGCGTCGCCCGGCGCCGACCCGTACGGCCCGCGCGAGCCCC[C>T]GCCGCCGCCGCCGCGCTACGACCCGTGCGCCGCCGCCGCCCCCGGCGCCCCGGGCCCGCC-3'
Protein context (NP_001366129.1, residues 43-63): GADPYGPREP[Pro53Leu]PPPPRYDPCA

ClinVar aggregate classification (germline): Uncertain significance (1 of 4 stars; one submission).

Conditions:
DiGeorge syndrome. Also called: THIRD AND FOURTH PHARYNGEAL POUCH SYNDROME; Catch22. Identifiers: Orphanet 567, MedGen C0012236, MONDO:0008564, OMIM 188400.

Allele frequency attached by ClinVar (database versions not stated): gnomAD 0.00001; TOPMed 0.00002.
gnomAD v4.1: 5 of 826,696 alleles (0.0006%); highest among the groups gnomAD compares: Middle Eastern, 0.061%; no homozygotes.

Submission:

Labcorp Genetics (formerly Invitae), Labcorp
Classification: Uncertain significance for DiGeorge syndrome. Last evaluated: 2019-12-19. Review status: criteria provided, single submitter. Criteria: Invitae Variant Classification Sherloc (09022015). Collection method: clinical testing. Allele origin: germline.
Comment: This sequence change replaces proline with leucine at codon 44 of the TBX1 protein (p.Pro44Leu). The proline residue is weakly conserved and there is a moderate physicochemical difference between proline and leucine. The frequency data for this variant in the population databases is considered unreliable, as metrics indicate insufficient coverage at this position in the ExAC database. This variant has not been reported in the literature in individuals with TBX1-related conditions. Algorithms developed to predict the effect of missense changes on protein structure and function (SIFT, PolyPhen-2, Align-GVGD) all suggest that this variant is likely to be tolerated, but these predictions have not been confirmed by published functional studies and their clinical significance is uncertain. In summary, the available evidence is currently insufficient to determine the role of this variant in disease. Therefore, it has been classified as a Variant of Uncertain Significance.